The following is an entry in ClinVar:

NM_017644.3(KLHL24):c.455G>A (p.Arg152His)

Gene: KLHL24 (kelch like family member 24; plus strand). Cytogenetic location: 3q27.1.
Variant type: single nucleotide variant.
Coding change: c.455G>A on transcript NM_017644.3 (MANE Select); coding-DNA position 455, G replaced by A.
Protein change: p.Arg152His; replaces arginine 152 with histidine.
Molecular consequence: missense variant. On other transcripts: 5 prime UTR variant (2), non-coding transcript variant (2).
Genome position (GRCh38, 1-based): chr3:183,650,811, G>A. VCF-style: chr3-183650811-G-A. GRCh37 (hg19) VCF-style: chr3-183368599-G-A.
Other names: c.455G>A, p.Arg152His (NM_001349413.1, NM_001349414.1, NM_001349415.1 and 11 more transcripts); c.-512G>A (NM_001349428.1, NM_001349429.1); short protein forms R152H.
Identifiers: ClinVar variation 4977015 (VCV004977015.1).

ClinVar aggregate classification (germline): Uncertain significance (1 of 4 stars; one submission).

Conditions:
KLHL24-related disorder. Also called: KLHL24-related condition.

gnomAD v4.1: 35 of 1,613,844 alleles (0.0022%); highest among the groups gnomAD compares: Admixed American, 0.0067%; no homozygotes.

Submission:

PreventionGenetics, part of Exact Sciences
Classification: Uncertain significance for KLHL24-related condition. Last evaluated: 2025-07-27. Review status: criteria provided, single submitter. Criteria: ACMG Guidelines, 2015. Collection method: clinical testing. Allele origin: germline.
Comment: The KLHL24 c.455G>A variant is predicted to result in the amino acid substitution p.Arg152His. To our knowledge, this variant has not been reported in the literature. This variant is reported in 0.020% of alleles in individuals of Ashkenazi Jewish descent in gnomAD. At this time, the clinical significance of this variant is uncertain due to the absence of conclusive functional and genetic evidence.